The following is an entry in ClinVar:

ClinVar aggregate classification (germline): Uncertain significance (1 of 4 stars; one submission).

Conditions:
Short-rib thoracic dysplasia 14 with polydactyly (SRTD14). Identifiers: Orphanet 397715, MedGen C4225286, MONDO:0014688, OMIM 616546.
Joubert syndrome 23 (JBTS23). Identifiers: Orphanet 475, MedGen C4084822, MONDO:0014664, OMIM 616490.

Allele frequency attached by ClinVar (database versions not stated): gnomAD 0.00001.
gnomAD v4.1: 3 of 1,613,424 alleles (0.00019%); highest among the groups gnomAD compares: South Asian, 0.0011%; no homozygotes.

Submission:

Labcorp Genetics (formerly Invitae), Labcorp
Classification: Uncertain significance for Joubert syndrome 23; Short-rib thoracic dysplasia 14 with polydactyly. Last evaluated: 2023-10-13. Review status: criteria provided, single submitter. Criteria: Invitae Variant Classification Sherloc (09022015). Collection method: clinical testing. Allele origin: germline.
Comment: This sequence change replaces valine, which is neutral and non-polar, with isoleucine, which is neutral and non-polar, at codon 1129 of the KIAA0586 protein (p.Val1129Ile). This variant is not present in population databases (gnomAD no frequency). This variant has not been reported in the literature in individuals affected with KIAA0586-related conditions. ClinVar contains an entry for this variant (Variation ID: 1969863). Advanced modeling of protein sequence and biophysical properties (such as structural, functional, and spatial information, amino acid conservation, physicochemical variation, residue mobility, and thermodynamic stability) performed at Invitae indicates that this missense variant is not expected to disrupt KIAA0586 protein function. In summary, the available evidence is currently insufficient to determine the role of this variant in disease. Therefore, it has been classified as a Variant of Uncertain Significance.

NM_001329943.3(KIAA0586):c.3226G>A (p.Val1076Ile)

Gene: KIAA0586 (KIAA0586; plus strand). Cytogenetic location: 14q23.1.
Variant type: single nucleotide variant.
Coding change: c.3226G>A on transcript NM_001329943.3 (MANE Select); coding-DNA position 3226, G replaced by A.
Protein change: p.Val1076Ile; replaces valine 1076 with isoleucine.
Molecular consequence: missense variant.
Genome position (GRCh38, 1-based): chr14:58,487,088, G>A. VCF-style: chr14-58487088-G-A. GRCh37 (hg19) VCF-style: chr14-58953806-G-A.
Other names: c.3385G>A, p.Val1129Ile (NM_001244189.2); c.3181G>A, p.Val1061Ile (NM_001244190.2); c.2971G>A, p.Val991Ile (NM_001244191.2, NM_001329945.2, NM_001364700.1 and 1 more transcripts); c.3094G>A, p.Val1032Ile (NM_001244192.2); c.2806G>A, p.Val936Ile (NM_001244193.2); c.3226G>A, p.Val1076Ile (NM_001329944.2, NM_001329946.2, NM_001329947.2); c.2998G>A, p.Val1000Ile (NM_014749.5); short protein forms V1032I, V1129I, V936I, V1076I, V991I, V1000I, V1061I.
Identifiers: ClinVar variation 1969863 (VCV001969863.3), dbSNP rs2042506547, ClinGen allele CA389880900.
Genomic context (GRCh38, chr14:58,487,088, plus strand): 5'-CCTACCCCACAGCCTACGCCTCCTTGCTCACCTTCATCACCTGCTAAGGAGTGTGTTTTG[G>A]TAAAGACTCCAGATTCTTCTCCCTGTGATTCGGATCATGATATGGCTTTTCCTGTGAAAG-3'
Protein context (NP_001316872.1, residues 1066-1086): PSSPAKECVL[Val1076Ile]KTPDSSPCDS